The following is an entry in ClinVar:

NM_003070.5(SMARCA2):c.817A>T (p.Ser273Cys)

Gene: SMARCA2 (SWI/SNF related BAF chromatin remodeling complex subunit ATPase 2; plus strand). Cytogenetic location: 9p24.3.
Variant type: single nucleotide variant.
Coding change: c.817A>T on transcript NM_003070.5 (MANE Select); coding-DNA position 817, A replaced by T.
Protein change: p.Ser273Cys; replaces serine 273 with cysteine.
Molecular consequence: missense variant.
Genome position (GRCh38, 1-based): chr9:2,047,255, A>T. VCF-style: chr9-2047255-A-T. GRCh37 (hg19) VCF-style: chr9-2047255-A-T.
Other names: c.817A>T, p.Ser273Cys (NM_001289396.2, NM_001289397.2, NM_139045.4); short protein forms S273C.
Identifiers: ClinVar variation 3646765 (VCV003646765.2).

ClinVar aggregate classification (germline): Uncertain significance (1 of 4 stars; one submission).

Submission:

Labcorp Genetics (formerly Invitae), Labcorp
Classification: Uncertain significance. Last evaluated: 2024-03-27. Review status: criteria provided, single submitter. Criteria: Invitae Variant Classification Sherloc (09022015). Collection method: clinical testing. Allele origin: germline.
Comment: This sequence change replaces serine, which is neutral and polar, with cysteine, which is neutral and slightly polar, at codon 273 of the SMARCA2 protein (p.Ser273Cys). The frequency data for this variant in the population databases is considered unreliable, as metrics indicate insufficient coverage at this position in the gnomAD database. This variant has not been reported in the literature in individuals affected with SMARCA2-related conditions. Advanced modeling of protein sequence and biophysical properties (such as structural, functional, and spatial information, amino acid conservation, physicochemical variation, residue mobility, and thermodynamic stability) performed at Invitae indicates that this missense variant is not expected to disrupt SMARCA2 protein function with a negative predictive value of 80%. In summary, the available evidence is currently insufficient to determine the role of this variant in disease. Therefore, it has been classified as a Variant of Uncertain Significance.